The following is an entry in ClinVar:

ClinVar aggregate classification (germline): Likely pathogenic. Review status: criteria provided, multiple submitters, no conflicts (2 of 4 stars). 3 submissions from 3 submitters: Likely pathogenic (3). Last evaluated 2023-02-18.

Conditions:
MAK-related disorders.

Allele frequency attached by ClinVar (database versions not stated): gnomAD exomes below 0.00001 and 0.00003.
gnomAD v4.1: 47 of 1,555,622 alleles (0.003%); highest among the groups gnomAD compares: Non-Finnish European, 0.004%; no homozygotes.

Submissions (3):

Labcorp Genetics (formerly Invitae), Labcorp
Classification: Likely pathogenic. Last evaluated: 2023-02-18. Review status: criteria provided, single submitter. Criteria: Invitae Variant Classification Sherloc (09022015). Collection method: clinical testing. Allele origin: germline.
Comment: The frequency data for this variant in the population databases is considered unreliable, as metrics indicate poor data quality at this position in the gnomAD database. This sequence change affects a donor splice site in intron 2 of the MAK gene. It is expected to disrupt RNA splicing. Variants that disrupt the donor or acceptor splice site typically lead to a loss of protein function (PMID: 16199547), and loss-of-function variants in MAK are known to be pathogenic (PMID: 21148103, 21825139, 24938718, 29781741). This variant has not been reported in the literature in individuals affected with MAK-related conditions. In summary, the currently available evidence indicates that the variant is pathogenic, but additional data are needed to prove that conclusively. Therefore, this variant has been classified as Likely Pathogenic. Algorithms developed to predict the effect of sequence changes on RNA splicing suggest that this variant may disrupt the consensus splice site. ClinVar contains an entry for this variant (Variation ID: 498012).

Blueprint Genetics
Classification: Likely pathogenic for MAK-related disorders. Last evaluated: 2018-11-20. Review status: criteria provided, single submitter. Criteria: ACMG Guidelines, 2015. Collection method: clinical testing. Allele origin: germline. Affected: yes. Observed: 4 variant alleles.

Eurofins Ntd Llc (ga)
Classification: Likely pathogenic. Last evaluated: 2016-11-22. Review status: criteria provided, single submitter. Criteria: EGL Classification Definitions 2015. Collection method: clinical testing. Allele origin: germline. Observed: 1 variant allele, 1 heterozygote.

Literature cited by the submitters: PubMed 16199547 (cited by Labcorp Genetics (formerly Invitae), Labcorp); PubMed 21148103 (cited by Labcorp Genetics (formerly Invitae), Labcorp); PubMed 21825139 (cited by Labcorp Genetics (formerly Invitae), Labcorp); PubMed 24938718 (cited by Labcorp Genetics (formerly Invitae), Labcorp); PubMed 29781741 (cited by Labcorp Genetics (formerly Invitae), Labcorp).

NM_001242957.3(MAK):c.156+2T>C

Gene: MAK (male germ cell associated kinase; minus strand). Cytogenetic location: 6p24.2.
Variant type: single nucleotide variant.
Coding change: c.156+2T>C on transcript NM_001242957.3 (MANE Select); the canonical splice donor site of the intron after coding-DNA position 156, T replaced by C.
Molecular consequence: splice donor variant.
Genome position (GRCh38, 1-based): chr6:10,818,884, A>G on the plus strand (T>C on the coding strand, the complement: MAK is on the minus strand). VCF-style: chr6-10818884-A-G. GRCh37 (hg19) VCF-style: chr6-10819117-A-G.
Other names: c.54+2T>C (NM_001377262.1); c.156+2T>C (NM_005906.6, NM_001242385.2).
Identifiers: ClinVar variation 498012 (VCV000498012.14), dbSNP rs1201940872, ClinGen allele CA362721537.